The following is an entry in ClinVar:

NM_001394062.1(MACF1):c.3619T>C (p.Ser1207Pro)

Gene: MACF1 (microtubule actin crosslinking factor 1; plus strand). Cytogenetic location: 1p34.3.
Variant type: single nucleotide variant.
Coding change: c.3619T>C on transcript NM_001394062.1 (MANE Select); coding-DNA position 3619, T replaced by C.
Protein change: p.Ser1207Pro; replaces serine 1207 with proline.
Molecular consequence: missense variant.
Genome position (GRCh38, 1-based): chr1:39,317,244, T>C. VCF-style: chr1-39317244-T-C. GRCh37 (hg19) VCF-style: chr1-39782916-T-C.
Other names: c.3634T>C, p.Ser1212Pro (NM_012090.5); c.3634T>C (NM_012090.4); short protein forms S1207P, S1212P.
Identifiers: ClinVar variation 1698334 (VCV001698334.3), dbSNP rs1646430507, ClinGen allele CA339784812.

ClinVar aggregate classification (germline): Uncertain significance. Review status: criteria provided, multiple submitters, no conflicts (2 of 4 stars). 2 submissions from 2 submitters: Uncertain significance (2). Last evaluated 2023-11-21.

Conditions:
Inborn genetic diseases. Identifiers: MedGen C0950123, MeSH D030342.

Allele frequency attached by ClinVar (database versions not stated): TOPMed 0.00001.

Submissions (2):

Ambry Genetics
Classification: Uncertain significance for Inborn genetic diseases. Last evaluated: 2023-11-21. Review status: criteria provided, single submitter. Criteria: Ambry Variant Classification Scheme 2023. Collection method: clinical testing. Allele origin: germline.

GeneDx
Classification: Uncertain significance. Last evaluated: 2022-01-21. Review status: criteria provided, single submitter. Criteria: GeneDx Variant Classification Process June 2021. Collection method: clinical testing. Allele origin: germline. Affected: yes.
Comment: Not observed at significant frequency in large population cohorts (gnomAD); In silico analysis supports that this missense variant has a deleterious effect on protein structure/function; Has not been previously published as pathogenic or benign to our knowledge